The following is an entry in ClinVar:

NM_145200.5(CABP4):c.47T>C (p.Ile16Thr)

Gene: CABP4 (calcium binding protein 4; plus strand). Cytogenetic location: 11q13.2.
Variant type: single nucleotide variant.
Coding change: c.47T>C on transcript NM_145200.5 (MANE Select); coding-DNA position 47, T replaced by C.
Protein change: p.Ile16Thr; replaces isoleucine 16 with threonine.
Molecular consequence: missense variant. On other transcripts: 5 prime UTR variant (2), non-coding transcript variant (1), intron variant (1).
Genome position (GRCh38, 1-based): chr11:67,455,470, T>C. VCF-style: chr11-67455470-T-C. GRCh37 (hg19) VCF-style: chr11-67222941-T-C.
Other names: c.-337T>C (NM_001300895.3); c.-351T>C (NM_001379183.1); c.-112-239T>C (NM_001300896.3); c.47T>C (NM_145200.3); short protein forms I16T.
Identifiers: ClinVar variation 1519143 (VCV001519143.6), dbSNP rs773598642, ClinGen allele CA6140054.

ClinVar aggregate classification (germline): Conflicting classifications of pathogenicity. Review status: criteria provided, conflicting classifications (1 of 4 stars). 3 submissions from 3 submitters: Uncertain significance (2); Likely benign (1). Last evaluated 2025-12-01.

Conditions:
Inborn genetic diseases. Identifiers: MedGen C0950123, MeSH D030342.

Allele frequency attached by ClinVar (database versions not stated): TOPMed below 0.00001; gnomAD 0.00001; gnomAD exomes 0.00003 and 0.00005; ExAC 0.00005.
gnomAD v4.1: 51 of 1,611,310 alleles (0.0032%); highest among the groups gnomAD compares: South Asian, 0.011%; no homozygotes.

Submissions (3):

Labcorp Genetics (formerly Invitae), Labcorp
Classification: Uncertain significance. Last evaluated: 2025-12-01. Review status: criteria provided, single submitter. Criteria: Invitae Variant Classification Sherloc (09022015). Collection method: clinical testing. Allele origin: germline.
Comment: This sequence change replaces isoleucine, which is neutral and non-polar, with threonine, which is neutral and polar, at codon 16 of the CABP4 protein (p.Ile16Thr). This variant is present in population databases (rs773598642, gnomAD 0.02%). This variant has not been reported in the literature in individuals affected with CABP4-related conditions. ClinVar contains an entry for this variant (Variation ID: 1519143). Invitae Evidence Modeling of protein sequence and biophysical properties (such as structural, functional, and spatial information, amino acid conservation, physicochemical variation, residue mobility, and thermodynamic stability) indicates that this missense variant is not expected to disrupt CABP4 protein function with a negative predictive value of 95%. In summary, the available evidence is currently insufficient to determine the role of this variant in disease. Therefore, it has been classified as a Variant of Uncertain Significance.

Blueprint Genetics
Classification: Uncertain significance. Last evaluated: 2024-08-04. Review status: criteria provided, single submitter. Criteria: ACMG Guidelines, 2015. Collection method: clinical testing. Allele origin: germline.

Ambry Genetics
Classification: Likely benign for Inborn genetic diseases. Last evaluated: 2022-10-12. Review status: criteria provided, single submitter. Criteria: Ambry Variant Classification Scheme 2023. Collection method: clinical testing. Allele origin: germline.